The following is an entry in ClinVar:

ClinVar aggregate classification (germline): Conflicting classifications of pathogenicity. Review status: criteria provided, conflicting classifications (1 of 4 stars). 2 submissions from 2 submitters: Uncertain significance (1); Likely benign (1). Last evaluated 2026-06-23.

Conditions:
Granulomatous disease, chronic, X-linked. Also called: CYTOCHROME b-NEGATIVE GRANULOMATOUS DISEASE, CHRONIC, X-LINKED; GRANULOMATOUS DISEASE, CHRONIC, X-LINKED, SOMATIC MOSAIC. Identifiers: Orphanet 379, MedGen C1844376, MONDO:0010600, OMIM 306400.

Submissions (2):

Women's Health and Genetics/Laboratory Corporation of America, LabCorp
Classification: Uncertain significance. Last evaluated: 2026-06-23. Review status: criteria provided, single submitter. Criteria: LabCorp Variant Classification Summary - May 2015. Collection method: clinical testing. Allele origin: germline.
Comment: Variant summary: CYBB c.675-3delC alters a conserved nucleotide located close to a canonical splice site and therefore could affect mRNA splicing, leading to a significantly altered protein sequence. Consensus agreement among computation tools predict no significant impact on normal splicing. However, these predictions have yet to be confirmed by functional studies. The variant allele was found at a frequency of 5.9e-06 in 169992 control chromosomes. The available data on variant occurrences in the general population are insufficient to allow any conclusion about variant significance. To our knowledge, no occurrence of c.675-3delC in individuals affected with CYBB-related conditions and no experimental evidence demonstrating its impact on protein function have been reported. ClinVar contains an entry for this variant (Variation ID: 3015528). Based on the evidence outlined above, the variant was classified as uncertain significance.

Labcorp Genetics (formerly Invitae), Labcorp
Classification: Likely benign for Granulomatous disease, chronic, X-linked. Last evaluated: 2023-05-22. Review status: criteria provided, single submitter. Criteria: Invitae Variant Classification Sherloc (09022015). Collection method: clinical testing. Allele origin: germline.

NM_000397.4(CYBB):c.675-3del

Gene: CYBB (cytochrome b-245 beta chain; plus strand). Cytogenetic location: Xp21.1.
Variant type: Deletion.
Coding change: c.675-3del on transcript NM_000397.4 (MANE Select); 3 bases into the intron before coding-DNA position 675, one base deleted (C; older notation c.675-3delC).
Molecular consequence: intron variant.
Genome position (GRCh38, 1-based): chrX:37,798,952, C deleted; the last of 3 consecutive C bases (chrX:37,798,950-37,798,952); deleting any one gives the same sequence. VCF-style (leftmost placement, unchanged base first): chrX-37798949-AC-A. GRCh37 (hg19) VCF-style: chrX-37658202-AC-A.
Other names: c.675-3delC (NM_000397.4).
Identifiers: ClinVar variation 3015528 (VCV003015528.4), dbSNP rs782041564, ClinGen allele CA10383778.